The following is an entry in ClinVar:

ClinVar aggregate classification (germline): Uncertain significance. Review status: criteria provided, multiple submitters, no conflicts (2 of 4 stars). 2 submissions from 2 submitters: Uncertain significance (2). Last evaluated 2025-10-08.

Allele frequency attached by ClinVar (database versions not stated): gnomAD 0.00004 and 0.00007; TOPMed 0.00005; gnomAD exomes 0.00006; ESP Exome Variant Server 0.00008; ExAC 0.00014; 1000 Genomes Project 0.00040; 1000 Genomes Project 30x 0.00062.
gnomAD v4.1: 71 of 1,557,752 alleles (0.0046%); highest among the groups gnomAD compares: South Asian, 0.043%; 3 homozygotes.

Submissions (2):

Labcorp Genetics (formerly Invitae), Labcorp
Classification: Uncertain significance. Last evaluated: 2025-10-08. Review status: criteria provided, single submitter. Criteria: Invitae Variant Classification Sherloc (09022015). Collection method: clinical testing. Allele origin: germline.
Comment: This sequence change replaces arginine, which is basic and polar, with tryptophan, which is neutral and slightly polar, at codon 523 of the FUK protein (p.Arg523Trp). The frequency data for this variant in the population databases is considered unreliable, as metrics indicate poor data quality at this position in the gnomAD database. This variant has not been reported in the literature in individuals affected with FUK-related conditions. ClinVar contains an entry for this variant (Variation ID: 1682374). An algorithm developed to predict the effect of missense changes on protein structure and function (PolyPhen-2) suggests that this variant is likely to be disruptive. In summary, the available evidence is currently insufficient to determine the role of this variant in disease. Therefore, it has been classified as a Variant of Uncertain Significance.

Ambry Genetics
Classification: Uncertain significance. Last evaluated: 2025-02-12. Review status: criteria provided, single submitter. Criteria: Ambry Variant Classification Scheme 2023. Collection method: clinical testing. Allele origin: germline.

NM_145059.3(FCSK):c.1567C>T (p.Arg523Trp)

Gene: FCSK (fucose kinase; plus strand). Cytogenetic location: 16q22.1.
Variant type: single nucleotide variant.
Coding change: c.1567C>T on transcript NM_145059.3 (MANE Select); coding-DNA position 1567, C replaced by T.
Protein change: p.Arg523Trp; replaces arginine 523 with tryptophan.
Molecular consequence: missense variant.
Genome position (GRCh38, 1-based): chr16:70,473,143, C>T. VCF-style: chr16-70473143-C-T. GRCh37 (hg19) VCF-style: chr16-70507046-C-T.
Other names: c.1567C>T (NM_145059.2); short protein forms R523W.
Identifiers: ClinVar variation 1682374 (VCV001682374.7), dbSNP rs369957269, ClinGen allele CA8143380.